The following is an entry in ClinVar:

ClinVar aggregate classification (germline): Uncertain significance (1 of 4 stars; one submission).

Submission:

Labcorp Genetics (formerly Invitae), Labcorp
Classification: Uncertain significance. Last evaluated: 2025-05-26. Review status: criteria provided, single submitter. Criteria: Invitae Variant Classification Sherloc (09022015). Collection method: clinical testing. Allele origin: germline.
Comment: This sequence change replaces aspartic acid, which is acidic and polar, with glycine, which is neutral and non-polar, at codon 288 of the LBR protein (p.Asp288Gly). This variant is not present in population databases (gnomAD no frequency). This variant has not been reported in the literature in individuals affected with LBR-related conditions. Invitae Evidence Modeling of protein sequence and biophysical properties (such as structural, functional, and spatial information, amino acid conservation, physicochemical variation, residue mobility, and thermodynamic stability) indicates that this missense variant is not expected to disrupt LBR protein function with a negative predictive value of 80%. In summary, the available evidence is currently insufficient to determine the role of this variant in disease. Therefore, it has been classified as a Variant of Uncertain Significance.

NM_002296.4(LBR):c.863A>G (p.Asp288Gly)

Gene: LBR (lamin B receptor; minus strand). Cytogenetic location: 1q42.12.
Variant type: single nucleotide variant.
Coding change: c.863A>G on transcript NM_002296.4 (MANE Select); coding-DNA position 863, A replaced by G.
Protein change: p.Asp288Gly; replaces aspartic acid 288 with glycine.
Molecular consequence: missense variant.
Genome position (GRCh38, 1-based): chr1:225,415,307, T>C on the plus strand (A>G on the coding strand, the complement: LBR is on the minus strand). VCF-style: chr1-225415307-T-C. GRCh37 (hg19) VCF-style: chr1-225603009-T-C.
Other names: c.863A>G, p.Asp288Gly (NM_194442.3); short protein forms D288G.
Identifiers: ClinVar variation 4812050 (VCV004812050.1).